The following is an entry in ClinVar:

NM_017654.4(SAMD9):c.4088A>C (p.Lys1363Thr)

Gene: SAMD9 (sterile alpha motif domain containing 9; minus strand). Cytogenetic location: 7q21.2.
Variant type: single nucleotide variant.
Coding change: c.4088A>C on transcript NM_017654.4 (MANE Select); coding-DNA position 4088, A replaced by C.
Protein change: p.Lys1363Thr; replaces lysine 1363 with threonine.
Molecular consequence: missense variant.
Genome position (GRCh38, 1-based): chr7:93,102,010, T>G on the plus strand (A>C on the coding strand, the complement: SAMD9 is on the minus strand). VCF-style: chr7-93102010-T-G. GRCh37 (hg19) VCF-style: chr7-92731323-T-G.
Other names: c.4088A>C (NM_017654.3); c.4088A>C, p.Lys1363Thr (NM_001193307.2); short protein forms K1363T.
Identifiers: ClinVar variation 3602699 (VCV003602699.2).

ClinVar aggregate classification (germline): Uncertain significance. Review status: criteria provided, multiple submitters, no conflicts (2 of 4 stars). 2 submissions from 2 submitters: Uncertain significance (2). Last evaluated 2025-06-26.

Conditions:
Inborn genetic diseases. Identifiers: MedGen C0950123, MeSH D030342.
Monosomy 7 myelodysplasia and leukemia syndrome 2. Identifiers: MedGen C5436668, MONDO:0030801, OMIM 619041.

gnomAD v4.1: 8 of 1,613,646 alleles (0.0005%); highest among the groups gnomAD compares: Non-Finnish European, 0.00068%; no homozygotes.

Submissions (2):

Ambry Genetics
Classification: Uncertain significance for Inborn genetic diseases. Last evaluated: 2025-06-26. Review status: criteria provided, single submitter. Criteria: Ambry Variant Classification Scheme 2023. Collection method: clinical testing. Allele origin: germline.
Comment: The p.K1363T variant (also known as c.4088A>C), located in coding exon 1 of the SAMD9 gene, results from an A to C substitution at nucleotide position 4088. The lysine at codon 1363 is replaced by threonine, an amino acid with similar properties. This amino acid position is conserved. In addition, this alteration is predicted to be tolerated by in silico analysis. Based on the available evidence, the clinical significance of this variant remains unclear.

St. Jude Molecular Pathology, St. Jude Children's Research Hospital
Classification: Uncertain significance for Monosomy 7 myelodysplasia and leukemia syndrome 2. Last evaluated: 2025-02-05. Review status: criteria provided, single submitter. Criteria: St. Jude Assertion Criteria 2020. Collection method: clinical testing. Allele origin: germline.
Comment: The SAMD9 c.4088A>C (p.Lys1363Thr) missense change has a maximum subpopulation frequency of 0.0018% in gnomAD v2.1.1. The in silico tool REVEL predicts a benign effect on protein function, however in silico predictions have not been found to correlate with syndromic risk and are thus not considered supporting evidence of a pathogenic or benign effect (PMID: 34621053). To our knowledge, this variant has not been reported in individuals with SAMD9-associated conditions. In summary, the evidence currently available is insufficient to determine the clinical significance of this variant. It has therefore been classified as of uncertain significance.